The following is an entry in ClinVar:

ClinVar aggregate classification (germline): Uncertain significance (1 of 4 stars; one submission).

Allele frequency attached by ClinVar (database versions not stated): ExAC 0.00025; gnomAD exomes 0.00029 and 0.00071; TOPMed 0.00036; gnomAD 0.00039 and 0.00040; ESP Exome Variant Server 0.00069.

Submission:

Labcorp Genetics (formerly Invitae), Labcorp
Classification: Uncertain significance. Last evaluated: 2022-10-24. Review status: criteria provided, single submitter. Criteria: Invitae Variant Classification Sherloc (09022015). Collection method: clinical testing. Allele origin: germline.
Comment: This sequence change replaces valine, which is neutral and non-polar, with methionine, which is neutral and non-polar, at codon 783 of the AHR protein (p.Val783Met). This variant is present in population databases (rs140164845, gnomAD 0.06%). This variant has not been reported in the literature in individuals affected with AHR-related conditions. ClinVar contains an entry for this variant (Variation ID: 840130). Algorithms developed to predict the effect of missense changes on protein structure and function output the following: SIFT: "Tolerated"; PolyPhen-2: "Benign"; Align-GVGD: "Class C0". The methionine amino acid residue is found in multiple mammalian species, which suggests that this missense change does not adversely affect protein function. In summary, the available evidence is currently insufficient to determine the role of this variant in disease. Therefore, it has been classified as a Variant of Uncertain Significance.

NM_001621.5(AHR):c.2347G>A (p.Val783Met)

Gene: AHR (aryl hydrocarbon receptor; plus strand). Cytogenetic location: 7p21.1.
Variant type: single nucleotide variant.
Coding change: c.2347G>A on transcript NM_001621.5 (MANE Select); coding-DNA position 2347, G replaced by A.
Protein change: p.Val783Met; replaces valine 783 with methionine.
Molecular consequence: missense variant.
Genome position (GRCh38, 1-based): chr7:17,340,172, G>A. VCF-style: chr7-17340172-G-A. GRCh37 (hg19) VCF-style: chr7-17379796-G-A.
Other names: short protein forms V783M.
Identifiers: ClinVar variation 840130 (VCV000840130.5), dbSNP rs140164845, ClinGen allele CA4172276.
Genomic context (GRCh38, chr7:17,340,172, plus strand): 5'-ACATGTTATGCTGGGGCCGTGTCGATGTATCAGTGCCAGCCAGAACCTCAGCACACCCAC[G>A]TGGGTCAGATGCAGTACAATCCAGTACTGCCAGGCCAACAGGCATTTTTAAACAAGGTAA-3'
Protein context (NP_001612.1, residues 773-793): QCQPEPQHTH[Val783Met]GQMQYNPVLP